The following is an entry in ClinVar:

ClinVar aggregate classification (germline): Likely benign (0 of 4 stars; one submission).

Conditions:
PKD1-related disorder. Also called: PKD1-related condition.

Allele frequency attached by ClinVar (database versions not stated): gnomAD 0.00148; gnomAD exomes 0.01141.
gnomAD v4.1: 707 of 70,890 alleles (1%); highest among the groups gnomAD compares: Non-Finnish European, 1.2%; no homozygotes.

Submissions (2):

PreventionGenetics, part of Exact Sciences
Classification: Likely benign for PKD1-related condition. Last evaluated: 2024-04-19. Review status: no assertion criteria provided. Collection method: clinical testing. Allele origin: germline.
Comment: This variant is classified as likely benign based on ACMG/AMP sequence variant interpretation guidelines (Richards et al. 2015 PMID: 25741868, with internal and published modifications).

Dr. Peter K. Rogan Lab, Western University
No classification provided (evidence only). Condition: Cervical cancer. Review status: no classification provided. Collection method: in vitro. Allele origin: not applicable. Functional consequence: retained intron. Not counted in ClinVar's aggregate classification.

NM_001009944.3(PKD1):c.8162-74G>A

Gene: PKD1 (polycystin 1, transient receptor potential channel interacting; minus strand). Cytogenetic location: 16p13.3.
Variant type: single nucleotide variant.
Coding change: c.8162-74G>A on transcript NM_001009944.3 (MANE Select); 74 bases into the intron before coding-DNA position 8162, G replaced by A.
Molecular consequence: intron variant.
Genome position (GRCh38, 1-based): chr16:2,103,969, C>T on the plus strand (G>A on the coding strand, the complement: PKD1 is on the minus strand). VCF-style: chr16-2103969-C-T. GRCh37 (hg19) VCF-style: chr16-2153970-C-T.
Other names: NC_000016.9:g.2153970C>T; c.8162-74G>A (NM_000296.4).
Identifiers: ClinVar variation 2637392 (VCV002637392.4), dbSNP rs1222076544, ClinGen allele CA620705769.